The following is an entry in ClinVar:

ClinVar aggregate classification (germline): Uncertain significance (1 of 4 stars; one submission).

gnomAD v4.1: 5 of 1,613,940 alleles (0.00031%); highest among the groups gnomAD compares: South Asian, 0.0011%; no homozygotes.

Submission:

Labcorp Genetics (formerly Invitae), Labcorp
Classification: Uncertain significance. Last evaluated: 2025-05-07. Review status: criteria provided, single submitter. Criteria: Invitae Variant Classification Sherloc (09022015). Collection method: clinical testing. Allele origin: germline.
Comment: This sequence change replaces arginine, which is basic and polar, with glutamine, which is neutral and polar, at codon 876 of the BNC2 protein (p.Arg876Gln). This variant is present in population databases (rs770491820, gnomAD 0.006%). This variant has not been reported in the literature in individuals affected with BNC2-related conditions. An algorithm developed to predict the effect of missense changes on protein structure and function (PolyPhen-2) suggests that this variant is likely to be disruptive. In summary, the available evidence is currently insufficient to determine the role of this variant in disease. Therefore, it has been classified as a Variant of Uncertain Significance.

NM_017637.6(BNC2):c.2627G>A (p.Arg876Gln)

Genes: BNC2 (basonuclin zinc finger protein 2; minus strand), LOC126860585 (MED14-independent group 3 enhancer GRCh37_chr9:16435259-16436458; plus strand). Cytogenetic location: 9p22.3.
Variant type: single nucleotide variant.
Coding change: c.2627G>A on transcript NM_017637.6 (MANE Select); coding-DNA position 2627, G replaced by A.
Protein change: p.Arg876Gln; replaces arginine 876 with glutamine.
Molecular consequence: missense variant.
Genome position (GRCh38, 1-based): chr9:16,435,567, C>T on the plus strand (G>A on the coding strand, the complement: BNC2 is on the minus strand). VCF-style: chr9-16435567-C-T. GRCh37 (hg19) VCF-style: chr9-16435565-C-T.
Other names: c.2501G>A, p.Arg834Gln (NM_001317939.2); c.2342G>A, p.Arg781Gln (NM_001317940.2); short protein forms R781Q, R834Q, R876Q.
Identifiers: ClinVar variation 4699295 (VCV004699295.1).